The following is an entry in ClinVar:

ClinVar aggregate classification (germline): Benign. Review status: criteria provided, multiple submitters, no conflicts (2 of 4 stars). 2 submissions from 2 submitters: Benign (2). Last evaluated 2018-06-16.

Allele frequency attached by ClinVar (database versions not stated): 1000 Genomes Project 30x 0.12555; gnomAD 0.17903 and 0.18305; gnomAD exomes 0.16055; TOPMed 0.17462; 1000 Genomes Project 0.12001; ExAC 0.15708; ESP Exome Variant Server 0.18536.
gnomAD v4.1: 292,375 of 1,515,188 alleles (19%); highest among the groups gnomAD compares: Non-Finnish European, 21%; 30,042 homozygotes.

Submissions (3):

GeneDx
Classification: Benign. Last evaluated: 2018-06-16. Review status: criteria provided, single submitter. Criteria: GeneDx Variant Classification (06012015). Collection method: clinical testing. Allele origin: germline. Affected: yes.
Comment: This variant is considered likely benign or benign based on one or more of the following criteria: it is a conservative change, it occurs at a poorly conserved position in the protein, it is predicted to be benign by multiple in silico algorithms, and/or has population frequency not consistent with disease.

Breakthrough Genomics
Classification: Benign. Review status: criteria provided, single submitter. Criteria: ACMG Guidelines, 2015. Collection method: not provided. Allele origin: germline. Inheritance: Autosomal recessive inheritance. Affected: yes.

Dr. Peter K. Rogan Lab, Western University
No classification provided (evidence only). Condition: Malignant lymphoma, large B-cell, diffuse. Review status: no classification provided. Collection method: in vitro. Allele origin: not applicable. Functional consequence: retained intron. Not counted in ClinVar's aggregate classification.

NM_001145026.2(PTPRQ):c.911-20A>T

Gene: PTPRQ (protein tyrosine phosphatase receptor type Q; plus strand). Cytogenetic location: 12q21.31.
Variant type: single nucleotide variant.
Coding change: c.911-20A>T on transcript NM_001145026.2 (MANE Select); 20 bases into the intron before coding-DNA position 911, A replaced by T.
Molecular consequence: intron variant.
Genome position (GRCh38, 1-based): chr12:80,468,690, A>T. VCF-style: chr12-80468690-A-T. GRCh37 (hg19) VCF-style: chr12-80862469-A-T.
Identifiers: ClinVar variation 671633 (VCV000671633.3), dbSNP rs56105723, ClinGen allele CA6702366.